The following is an entry in ClinVar:

ClinVar aggregate classification (germline): Uncertain significance (1 of 4 stars; one submission).

Conditions:
Primary ciliary dyskinesia. Also called: Ciliary dyskinesia. Identifiers: Orphanet 244, MedGen C0008780, MONDO:0016575, HP:0012265.

Submission:

Ambry Genetics
Classification: Uncertain significance for Primary ciliary dyskinesia. Last evaluated: 2024-10-19. Review status: criteria provided, single submitter. Criteria: Ambry Variant Classification Scheme 2023. Collection method: clinical testing. Allele origin: germline.
Comment: The p.Q918E variant (also known as c.2752C>G), located in coding exon 18 of the SPAG1 gene, results from a C to G substitution at nucleotide position 2752. The glutamine at codon 918 is replaced by glutamic acid, an amino acid with highly similar properties. This amino acid position is conserved. In addition, this alteration is predicted to be tolerated by in silico analysis. Based on the available evidence, the clinical significance of this variant remains unclear.

NM_003114.5(SPAG1):c.2752C>G (p.Gln918Glu)

Gene: SPAG1 (sperm associated antigen 1; plus strand). Cytogenetic location: 8q22.2.
Variant type: single nucleotide variant.
Coding change: c.2752C>G on transcript NM_003114.5 (MANE Select); coding-DNA position 2752, C replaced by G.
Protein change: p.Gln918Glu; replaces glutamine 918 with glutamic acid.
Molecular consequence: missense variant.
Genome position (GRCh38, 1-based): chr8:100,240,993, C>G. VCF-style: chr8-100240993-C-G. GRCh37 (hg19) VCF-style: chr8-101253221-C-G.
Other names: c.2752C>G, p.Gln918Glu (NM_001374321.1, NM_172218.3); short protein forms Q918E.
Identifiers: ClinVar variation 3447676 (VCV003447676.1).